The following is an entry in ClinVar:

NM_020442.6(VARS2):c.315C>T (p.Ser105=)

Gene: VARS2 (valyl-tRNA synthetase 2, mitochondrial; plus strand). Cytogenetic location: 6p21.33.
Variant type: single nucleotide variant.
Coding change: c.315C>T on transcript NM_020442.6 (MANE Select); coding-DNA position 315, C replaced by T.
Protein change: p.Ser105=; no amino-acid change (serine 105 retained).
Molecular consequence: synonymous variant. On other transcripts: 5 prime UTR variant (1).
Genome position (GRCh38, 1-based): chr6:30,915,386, C>T. VCF-style: chr6-30915386-C-T. GRCh37 (hg19) VCF-style: chr6-30883163-C-T.
Other names: c.-106C>T (NM_001167733.3); c.405C>T, p.Ser135= (NM_001167734.2).
Identifiers: ClinVar variation 511477 (VCV000511477.13), dbSNP rs199858134, ClinGen allele CA3705556.
Genomic context (GRCh38, chr6:30,915,386, plus strand): 5'-GTTAGTGGAGCTCTCCTCTGCCTTCACAGATGTCTCTGGGCCCCTGCCTCCTGCATACAG[C>T]CCCCGATATGTTGAGGCTGCCTGGTACCCGTGGTGGGTACGAGAGGGCTTCTTCAAACCA-3'
Protein context (NP_065175.4, residues 95-115): DVSGPLPPAY[Ser105=]PRYVEAAWYP

ClinVar aggregate classification (germline): Likely benign. Review status: criteria provided, multiple submitters, no conflicts (2 of 4 stars). 3 submissions from 3 submitters: Likely benign (2). 1 of the submissions does not count toward it. Last evaluated 2023-10-13.

Conditions:
VARS2-related disorder. Also called: VARS2-related condition; VARS2-related disorders.

Allele frequency attached by ClinVar (database versions not stated): ExAC 0.00010; gnomAD exomes 0.00010 and 0.00019; 1000 Genomes Project 0.00020; ESP Exome Variant Server 0.00023; gnomAD 0.00015 and 0.00017; TOPMed 0.00015; 1000 Genomes Project 30x 0.00031.
gnomAD v4.1: 303 of 1,614,188 alleles (0.019%); highest among the groups gnomAD compares: Non-Finnish European, 0.024%; no homozygotes.

Submissions (3):

Labcorp Genetics (formerly Invitae), Labcorp
Classification: Likely benign. Last evaluated: 2023-10-13. Review status: criteria provided, single submitter. Criteria: Invitae Variant Classification Sherloc (09022015). Collection method: clinical testing. Allele origin: germline.

GeneDx
Classification: Likely benign. Last evaluated: 2020-01-16. Review status: criteria provided, single submitter. Criteria: GeneDx Variant Classification Process June 2021. Collection method: clinical testing. Allele origin: germline. Affected: yes.

PreventionGenetics, part of Exact Sciences
Classification: Likely benign for VARS2-related condition. Last evaluated: 2019-10-01. Review status: no assertion criteria provided. Collection method: clinical testing. Allele origin: germline. Not counted in ClinVar's aggregate classification.
Comment: This variant is classified as likely benign based on ACMG/AMP sequence variant interpretation guidelines (Richards et al. 2015 PMID: 25741868, with internal and published modifications).